The following is an entry in ClinVar:

Single allele

Gene: LINGO2 (leucine rich repeat and Ig domain containing 2; minus strand). Cytogenetic location: 9p21.1.
Variant type: Deletion.
Identifiers: ClinVar variation 157142 (VCV000157142.2).

ClinVar aggregate classification (germline): not provided (0 of 4 stars; one submission).

Conditions:
Gestational diabetes mellitus uncontrolled. Identifiers: MedGen C3532257.

Submission:

Institute of Molecular and Cell Biology, University of Tartu
No classification provided. Condition: Gestational diabetes mellitus uncontrolled. Review status: no classification provided. Collection method: case-control. Allele origin: unknown. Affected: yes. Study: Kasak2014.
Comment: The study aimed to determine the contribution of copy number variants in the genetic etiology of normal and complicated pregnancies. The samples represented (i) maternal blood DNA drawn from healthy pregnant women during 1st or 2nd trimester and (ii) maternal and paternal blood DNA drawn at term pregnancy cases representing normal and complicated gestations (severe preeclampsia, PE; gestational diabetes, GD; small-for-gestational age newborn, SGA; large-for-gestational age newborn, LGA). We performed CNV calling based on genome-wide genotyping dataset (Illumina HumanOmniExpress-24-v1 BeadChip) by applying three algorithms, QuantiSNP, GADA (Genome Alteration Detection Algorithm) and CNstream in parallel. The acquired CNV calls were merged with HD-CNV (Hotspot Detector for Copy Number Variants) program and only the CNVs predicted by at least two programs, were considered in subsequent analysis.

Literature cited by the submitters: PubMed 25666259.